The following is an entry in ClinVar:

NM_030665.4(RAI1):c.4642_4646del (p.Thr1548fs)

Gene: RAI1 (retinoic acid induced 1; plus strand). Cytogenetic location: 17p11.2.
Variant type: Deletion.
Coding change: c.4642_4646del on transcript NM_030665.4 (MANE Select); coding-DNA positions 4642 to 4646, 5 bases deleted (ACCAC; older notation c.4642_4646delACCAC).
Protein change: p.Thr1548fs; shifts the reading frame from threonine 1548.
Molecular consequence: frameshift variant.
Genome position (GRCh38, 1-based): chr17:17,797,590-17,797,594, ACCAC deleted; deleting any 5 consecutive bases within chr17:17,797,588-17,797,594 gives the same sequence; the c. name uses the placement nearest the transcript's 3' end. VCF-style (leftmost placement, unchanged base first): chr17-17797587-AACACC-A. GRCh37 (hg19) VCF-style: chr17-17700901-AACACC-A.
Other names: short protein forms T1548fs.
Identifiers: ClinVar variation 3345022 (VCV003345022.1).

ClinVar aggregate classification (germline): Likely pathogenic (0 of 4 stars; one submission).

Conditions:
RAI1-related disorder. Also called: RAI1-related condition.

Submission:

PreventionGenetics, part of Exact Sciences
Classification: Likely pathogenic for RAI1-related condition. Last evaluated: 2024-04-09. Review status: no assertion criteria provided. Collection method: clinical testing. Allele origin: germline.
Comment: The RAI1 c.4642_4646del5 variant is predicted to result in a frameshift and premature protein termination (p.Thr1548Leufs*5). To our knowledge, this variant has not been reported in the literature or in a large population database, indicating this variant is rare. Frameshift variants in RAI1 are expected to be pathogenic. This variant is interpreted as likely pathogenic.